The following is an entry in ClinVar:

NM_001270974.2(HYDIN):c.6449T>G (p.Val2150Gly)

Gene: HYDIN (HYDIN axonemal central pair apparatus protein; minus strand). Cytogenetic location: 16q22.2.
Variant type: single nucleotide variant.
Coding change: c.6449T>G on transcript NM_001270974.2 (MANE Select); coding-DNA position 6449, T replaced by G.
Protein change: p.Val2150Gly; replaces valine 2150 with glycine.
Molecular consequence: missense variant.
Genome position (GRCh38, 1-based): chr16:70,952,503, A>C on the plus strand (T>G on the coding strand, the complement: HYDIN is on the minus strand). VCF-style: chr16-70952503-A-C. GRCh37 (hg19) VCF-style: chr16-70986406-A-C.
Other names: short protein forms V2150G.
Identifiers: ClinVar variation 100830 (VCV000100830.2), dbSNP rs483352710, ClinGen allele CA229083.
Genomic context (GRCh38, chr16:70,952,503, plus strand): 5'-GAGTGATGCTGCTTCTGTGACCCGGAGCCATGGCTGTCTGCCTTGCTTTTGGTGATCACC[A>C]CGCTCCCACGAACACTCTTTCCAGGTTTAATTTCTGGGGCCACCAGAGTCATCTCGGAGG-3'
Protein context (NP_001257903.1, residues 2140-2160): IKPGKSVRGS[Val2150Gly]VITKSKADSH

ClinVar aggregate classification (germline): Uncertain significance. Review status: no assertion criteria provided (0 of 4 stars). 2 submissions from 1 submitter: Uncertain significance (1). 1 of the submissions does not count toward it.

Submissions (2):

Richard Lifton Laboratory, Yale University School of Medicine
Classification: Uncertain significance. Review status: no assertion criteria provided. Collection method: not provided. Allele origin: somatic.
Comment: HYDIN:p.V2150G
ClinVar note: Converted during submission from unknown to Uncertain significance.

Richard Lifton Laboratory, Yale University School of Medicine
Classification: Uncertain significance. Review status: flagged submission. Collection method: not provided. Allele origin: somatic. Not counted in ClinVar's aggregate classification.
ClinVar note: Converted during submission from unknown to Uncertain significance.
ClinVar note: Reason: This record appears to be redundant with a more recent record from the same submitter.
ClinVar note: Notes: SCV000120050 appears to be redundant with SCV000155153.